The following is an entry in ClinVar:

NM_004453.4(ETFDH):c.1144G>T (p.Gly382Cys)

Gene: ETFDH (electron transfer flavoprotein dehydrogenase; plus strand). Cytogenetic location: 4q32.1.
Variant type: single nucleotide variant.
Coding change: c.1144G>T on transcript NM_004453.4 (MANE Select); coding-DNA position 1144, G replaced by T.
Protein change: p.Gly382Cys; replaces glycine 382 with cysteine.
Molecular consequence: missense variant.
Genome position (GRCh38, 1-based): chr4:158,703,450, G>T. VCF-style: chr4-158703450-G-T. GRCh37 (hg19) VCF-style: chr4-159624602-G-T.
Other names: c.1003G>T, p.Gly335Cys (NM_001281737.2); c.961G>T, p.Gly321Cys (NM_001281738.1); short protein forms G382C, G321C, G335C.
Identifiers: ClinVar variation 2099836 (VCV002099836.4), dbSNP rs2126309213, ClinGen allele CA358562765.

ClinVar aggregate classification (germline): Uncertain significance (1 of 4 stars; one submission).

Conditions:
Multiple acyl-CoA dehydrogenase deficiency (MADD). Also called: ETHYLMALONIC-ADIPICACIDURIA; GA II; Glutaric aciduria, type 2; Glutaric acidemia type II; GA 2; Glutaric Acidemia type 2. Identifiers: Orphanet 26791, MedGen C0268596, MONDO:0009282, OMIM 231680.

Submission:

Labcorp Genetics (formerly Invitae), Labcorp
Classification: Uncertain significance for Multiple acyl-CoA dehydrogenase deficiency. Last evaluated: 2022-02-20. Review status: criteria provided, single submitter. Criteria: Invitae Variant Classification Sherloc (09022015). Collection method: clinical testing. Allele origin: germline.
Comment: This sequence change replaces glycine, which is neutral and non-polar, with cysteine, which is neutral and slightly polar, at codon 382 of the ETFDH protein (p.Gly382Cys). This variant is not present in population databases (gnomAD no frequency). In summary, the available evidence is currently insufficient to determine the role of this variant in disease. Therefore, it has been classified as a Variant of Uncertain Significance. Algorithms developed to predict the effect of sequence changes on RNA splicing suggest that this variant may create or strengthen a splice site. Advanced modeling of protein sequence and biophysical properties (such as structural, functional, and spatial information, amino acid conservation, physicochemical variation, residue mobility, and thermodynamic stability) performed at Invitae indicates that this missense variant is expected to disrupt ETFDH protein function. This variant has not been reported in the literature in individuals affected with ETFDH-related conditions.